The following is an entry in ClinVar:

NM_001457.4(FLNB):c.1586G>C (p.Trp529Ser)

Gene: FLNB (filamin B; plus strand). Cytogenetic location: 3p14.3.
Variant type: single nucleotide variant.
Coding change: c.1586G>C on transcript NM_001457.4 (MANE Select); coding-DNA position 1586, G replaced by C.
Protein change: p.Trp529Ser; replaces tryptophan 529 with serine.
Molecular consequence: missense variant.
Genome position (GRCh38, 1-based): chr3:58,104,061, G>C. VCF-style: chr3-58104061-G-C. GRCh37 (hg19) VCF-style: chr3-58089788-G-C.
Other names: c.1586G>C, p.Trp529Ser (NM_001164317.2, NM_001164318.2, NM_001164319.2); c.1586G>C (NM_001457.3); short protein forms W529S.
Identifiers: ClinVar variation 1349991 (VCV001349991.9), dbSNP rs145086495, ClinGen allele CA2467853.

ClinVar aggregate classification (germline): Conflicting classifications of pathogenicity. Review status: criteria provided, conflicting classifications (1 of 4 stars). 4 submissions from 4 submitters: Uncertain significance (3); Likely benign (1). Last evaluated 2026-01-01.

Conditions:
Inborn genetic diseases. Identifiers: MedGen C0950123, MeSH D030342.

Allele frequency attached by ClinVar (database versions not stated): gnomAD 0.00001; ESP Exome Variant Server 0.00008.

Submissions (4):

Labcorp Genetics (formerly Invitae), Labcorp
Classification: Likely benign. Last evaluated: 2026-01-01. Review status: criteria provided, single submitter. Criteria: Invitae Variant Classification Sherloc (09022015). Collection method: clinical testing. Allele origin: germline.

Ambry Genetics
Classification: Uncertain significance for Inborn genetic diseases. Last evaluated: 2024-11-26. Review status: criteria provided, single submitter. Criteria: Ambry Variant Classification Scheme 2023. Collection method: clinical testing. Allele origin: germline.

Blueprint Genetics
Classification: Uncertain significance. Last evaluated: 2024-02-02. Review status: criteria provided, single submitter. Criteria: ACMG Guidelines, 2015. Collection method: clinical testing. Allele origin: germline.

GeneDx
Classification: Uncertain significance. Last evaluated: 2024-01-29. Review status: criteria provided, single submitter. Criteria: GeneDx Variant Classification Process June 2021. Collection method: clinical testing. Allele origin: germline. Affected: yes.
Comment: In silico analysis supports that this missense variant has a deleterious effect on protein structure/function; Has not been previously published as pathogenic or benign to our knowledge